The following is an entry in ClinVar:

ClinVar aggregate classification (germline): Uncertain significance (1 of 4 stars; one submission).

Conditions:
Epilepsy. Also called: Seizure disorder. Identifiers: MedGen C0014544, MeSH D004827, MONDO:0005027.

Submission:

Labcorp Genetics (formerly Invitae), Labcorp
Classification: Uncertain significance for Epilepsy. Last evaluated: 2021-09-26. Review status: criteria provided, single submitter. Criteria: Invitae Variant Classification Sherloc (09022015). Collection method: clinical testing. Allele origin: germline.
Comment: In summary, the available evidence is currently insufficient to determine the role of this variant in disease. Therefore, it has been classified as a Variant of Uncertain Significance. This sequence change replaces glutamic acid with glutamine at codon 26 of the PIGQ protein (p.Glu26Gln). The glutamic acid residue is weakly conserved and there is a small physicochemical difference between glutamic acid and glutamine. This variant is not present in population databases (ExAC no frequency). This variant has not been reported in the literature in individuals with PIGQ-related conditions. Algorithms developed to predict the effect of missense changes on protein structure and function are either unavailable or do not agree on the potential impact of this missense change (SIFT: "Tolerated"; PolyPhen-2: "Possibly Damaging"; Align-GVGD: "Class C0").

NM_004204.5(PIGQ):c.76G>C (p.Glu26Gln)

Gene: PIGQ (phosphatidylinositol glycan anchor biosynthesis class Q; plus strand). Cytogenetic location: 16p13.3.
Variant type: single nucleotide variant.
Coding change: c.76G>C on transcript NM_004204.5 (MANE Select); coding-DNA position 76, G replaced by C.
Protein change: p.Glu26Gln; replaces glutamic acid 26 with glutamine.
Molecular consequence: missense variant.
Genome position (GRCh38, 1-based): chr16:574,150, G>C. VCF-style: chr16-574150-G-C. GRCh37 (hg19) VCF-style: chr16-624150-G-C.
Other names: c.76G>C, p.Glu26Gln (NM_148920.4); short protein forms E26Q.
Identifiers: ClinVar variation 1360722 (VCV001360722.6), dbSNP rs2151044155, ClinGen allele CA394045250.